The following is an entry in ClinVar:

NM_012330.4(KAT6B):c.26A>G (p.Tyr9Cys)

Gene: KAT6B (lysine acetyltransferase 6B; plus strand). Cytogenetic location: 10q22.2.
Variant type: single nucleotide variant.
Coding change: c.26A>G on transcript NM_012330.4 (MANE Select); coding-DNA position 26, A replaced by G.
Protein change: p.Tyr9Cys; replaces tyrosine 9 with cysteine.
Molecular consequence: missense variant. On other transcripts: 5 prime UTR variant (2).
Genome position (GRCh38, 1-based): chr10:74,842,883, A>G. VCF-style: chr10-74842883-A-G. GRCh37 (hg19) VCF-style: chr10-76602641-A-G.
Other names: c.26A>G, p.Tyr9Cys (NM_001256468.2, NM_001256469.2, NM_001370132.1 and 10 more transcripts); c.-513A>G (NM_001370134.1, NM_001370135.1); short protein forms Y9C.
Identifiers: ClinVar variation 4986911 (VCV004986911.1).

ClinVar aggregate classification (germline): Uncertain significance (1 of 4 stars; one submission).

Conditions:
KAT6B-related disorder. Also called: KAT6B-related disorders; KAT6B-related condition.

Submission:

PreventionGenetics, part of Exact Sciences
Classification: Uncertain significance for KAT6B-related condition. Last evaluated: 2024-11-14. Review status: criteria provided, single submitter. Criteria: ACMG Guidelines, 2015. Collection method: clinical testing. Allele origin: germline.
Comment: The KAT6B c.26A>G variant is predicted to result in the amino acid substitution p.Tyr9Cys. To our knowledge, this variant has not been reported in the literature or in a large population database (gnomAD), indicating this variant is rare. At this time, the clinical significance of this variant is uncertain due to the absence of conclusive functional and genetic evidence.